The following is an entry in ClinVar:

ClinVar aggregate classification (germline): Uncertain significance. Review status: criteria provided, multiple submitters, no conflicts (2 of 4 stars). 3 submissions from 3 submitters: Uncertain significance (3). Last evaluated 2026-02-26.

Conditions:
Generalized epilepsy-paroxysmal dyskinesia syndrome (PNKD3). Also called: Generalized epilepsy and paroxysmal dyskinesia; Paroxysmal nonkinesigenic dyskinesia, 3, with or without generalized epilepsy. Identifiers: Orphanet 79137, MedGen C5574945, MONDO:0012276, OMIM 609446.

Submissions (3):

GeneDx
Classification: Uncertain significance. Last evaluated: 2026-02-26. Review status: criteria provided, single submitter. Criteria: GeneDx Variant Classification Process June 2021. Collection method: clinical testing. Allele origin: germline.
Comment: Not observed at significant frequency in large population cohorts (gnomAD); In silico analysis suggests that this missense variant does not alter protein structure/function; Has not been previously published as pathogenic or benign to our knowledge

Labcorp Genetics (formerly Invitae), Labcorp
Classification: Uncertain significance for Generalized epilepsy-paroxysmal dyskinesia syndrome. Last evaluated: 2025-08-08. Review status: criteria provided, single submitter. Criteria: Invitae Variant Classification Sherloc (09022015). Collection method: clinical testing. Allele origin: germline.
Comment: This sequence change replaces leucine, which is neutral and non-polar, with valine, which is neutral and non-polar, at codon 187 of the KCNMA1 protein (p.Leu187Val). This variant is not present in population databases (gnomAD no frequency). This variant has not been reported in the literature in individuals affected with KCNMA1-related conditions. ClinVar contains an entry for this variant (Variation ID: 1021600). Invitae Evidence Modeling of protein sequence and biophysical properties (such as structural, functional, and spatial information, amino acid conservation, physicochemical variation, residue mobility, and thermodynamic stability) indicates that this missense variant is not expected to disrupt KCNMA1 protein function with a negative predictive value of 80%. In summary, the available evidence is currently insufficient to determine the role of this variant in disease. Therefore, it has been classified as a Variant of Uncertain Significance.

Blueprint Genetics
Classification: Uncertain significance. Last evaluated: 2023-03-30. Review status: criteria provided, single submitter. Criteria: ACMG Guidelines, 2015. Collection method: clinical testing. Allele origin: germline.

NM_001161352.2(KCNMA1):c.559C>G (p.Leu187Val)

Gene: KCNMA1 (potassium calcium-activated channel subfamily M alpha 1; minus strand). Cytogenetic location: 10q22.3.
Variant type: single nucleotide variant.
Coding change: c.559C>G on transcript NM_001161352.2 (MANE Select); coding-DNA position 559, C replaced by G.
Protein change: p.Leu187Val; replaces leucine 187 with valine.
Molecular consequence: missense variant. On other transcripts: 5 prime UTR variant (1).
Genome position (GRCh38, 1-based): chr10:77,251,238, G>C on the plus strand (C>G on the coding strand, the complement: KCNMA1 is on the minus strand). VCF-style: chr10-77251238-G-C. GRCh37 (hg19) VCF-style: chr10-79010996-G-C.
Other names: c.559C>G (NM_002247.3); c.559C>G, p.Leu187Val (NM_001014797.3, NM_001161353.2, NM_001271519.2 and 7 more transcripts); c.397C>G, p.Leu133Val (NM_001271518.2); c.-58C>G (NM_001322838.2); short protein forms L133V, L187V.
Identifiers: ClinVar variation 1021600 (VCV001021600.11), dbSNP rs2059603910, ClinGen allele CA377410862.